The following is an entry in ClinVar:

ClinVar aggregate classification (germline): Likely benign (1 of 4 stars; one submission).

gnomAD v4.1: 5 of 1,614,250 alleles (0.00031%); highest among the groups gnomAD compares: African/African-American, 0.0013%; no homozygotes.

Submission:

CeGaT Center for Human Genetics Tuebingen
Classification: Likely benign. Last evaluated: 2025-01-01. Review status: criteria provided, single submitter. Criteria: CeGaT Center For Human Genetics Tuebingen Variant Classification Criteria Version 2. Collection method: clinical testing. Allele origin: germline. Affected: yes. Observed: 1 variant allele.
Comment: SLC25A12: BP4, BP7

NM_003705.5(SLC25A12):c.1636C>T (p.Leu546=)

Gene: SLC25A12 (solute carrier family 25 member 12; minus strand). Cytogenetic location: 2q31.1.
Variant type: single nucleotide variant.
Coding change: c.1636C>T on transcript NM_003705.5 (MANE Select); coding-DNA position 1636, C replaced by T.
Protein change: p.Leu546=; no amino-acid change (leucine 546 retained).
Molecular consequence: synonymous variant. On other transcripts: non-coding transcript variant (1).
Genome position (GRCh38, 1-based): chr2:171,787,897, G>A on the plus strand (C>T on the coding strand, the complement: SLC25A12 is on the minus strand). VCF-style: chr2-171787897-G-A. GRCh37 (hg19) VCF-style: chr2-172644407-G-A.
Identifiers: ClinVar variation 3772166 (VCV003772166.13).